The following is an entry in ClinVar:

ClinVar aggregate classification (germline): Uncertain significance (1 of 4 stars; one submission).

Submission:

Labcorp Genetics (formerly Invitae), Labcorp
Classification: Uncertain significance. Last evaluated: 2025-10-01. Review status: criteria provided, single submitter. Criteria: Invitae Variant Classification Sherloc (09022015). Collection method: clinical testing. Allele origin: germline.
Comment: This sequence change replaces alanine, which is neutral and non-polar, with serine, which is neutral and polar, at codon 436 of the GPAA1 protein (p.Ala436Ser). This variant is not present in population databases (gnomAD no frequency). This variant has not been reported in the literature in individuals affected with GPAA1-related conditions. ClinVar contains an entry for this variant (Variation ID: 1952769). Invitae Evidence Modeling of protein sequence and biophysical properties (such as structural, functional, and spatial information, amino acid conservation, physicochemical variation, residue mobility, and thermodynamic stability) indicates that this missense variant is not expected to disrupt GPAA1 protein function with a negative predictive value of 80%. In summary, the available evidence is currently insufficient to determine the role of this variant in disease. Therefore, it has been classified as a Variant of Uncertain Significance.

NM_003801.4(GPAA1):c.1306G>T (p.Ala436Ser)

Gene: GPAA1 (glycosylphosphatidylinositol anchor attachment 1; plus strand). Cytogenetic location: 8q24.3.
Variant type: single nucleotide variant.
Coding change: c.1306G>T on transcript NM_003801.4 (MANE Select); coding-DNA position 1306, G replaced by T.
Protein change: p.Ala436Ser; replaces alanine 436 with serine.
Molecular consequence: missense variant.
Genome position (GRCh38, 1-based): chr8:144,085,334, G>T. VCF-style: chr8-144085334-G-T. GRCh37 (hg19) VCF-style: chr8-145140237-G-T.
Other names: short protein forms A436S.
Identifiers: ClinVar variation 1952769 (VCV001952769.5), dbSNP rs369394667, ClinGen allele CA372503638.